The following is an entry in ClinVar:

NM_004260.4(RECQL4):c.2318C>T (p.Ala773Val)

Gene: RECQL4 (RecQ like helicase 4; minus strand). Cytogenetic location: 8q24.3.
Variant type: single nucleotide variant.
Coding change: c.2318C>T on transcript NM_004260.4 (MANE Select); coding-DNA position 2318, C replaced by T.
Protein change: p.Ala773Val; replaces alanine 773 with valine.
Molecular consequence: missense variant.
Genome position (GRCh38, 1-based): chr8:144,513,363, G>A on the plus strand (C>T on the coding strand, the complement: RECQL4 is on the minus strand). VCF-style: chr8-144513363-G-A. GRCh37 (hg19) VCF-style: chr8-145738746-G-A.
Other names: short protein forms A773V.
Identifiers: ClinVar variation 846675 (VCV000846675.6), dbSNP rs772573389, ClinGen allele CA4948335.

ClinVar aggregate classification (germline): Uncertain significance. Review status: criteria provided, multiple submitters, no conflicts (2 of 4 stars). 2 submissions from 2 submitters: Uncertain significance (2). Last evaluated 2023-08-04.

Conditions:
Baller-Gerold syndrome (BGS). Also called: CRANIOSYNOSTOSIS WITH RADIAL DEFECTS. Identifiers: Orphanet 1225, MedGen C0265308, MONDO:0009039, OMIM 218600.
RECQL4-related disorder. Also called: RECQL4-related disorders; RECQL4-related condition.

Allele frequency attached by ClinVar (database versions not stated): ExAC 0.00001; gnomAD 0.00001; TOPMed 0.00001; 1000 Genomes Project 30x 0.00016.

Submissions (2):

PreventionGenetics, part of Exact Sciences
Classification: Uncertain significance for RECQL4-related condition. Last evaluated: 2023-08-04. Review status: criteria provided, single submitter. Criteria: ACMG Guidelines, 2015. Collection method: clinical testing. Allele origin: germline.
Comment: The RECQL4 c.2318C>T variant is predicted to result in the amino acid substitution p.Ala773Val. To our knowledge, this variant has not been reported in the literature or in a large population database, indicating this variant is rare. At this time, the clinical significance of this variant is uncertain due to the absence of conclusive functional and genetic evidence.

Labcorp Genetics (formerly Invitae), Labcorp
Classification: Uncertain significance for Baller-Gerold syndrome. Last evaluated: 2023-05-01. Review status: criteria provided, single submitter. Criteria: Invitae Variant Classification Sherloc (09022015). Collection method: clinical testing. Allele origin: germline.
Comment: In summary, the available evidence is currently insufficient to determine the role of this variant in disease. Therefore, it has been classified as a Variant of Uncertain Significance. Advanced modeling of protein sequence and biophysical properties (such as structural, functional, and spatial information, amino acid conservation, physicochemical variation, residue mobility, and thermodynamic stability) performed at Invitae indicates that this missense variant is expected to disrupt RECQL4 protein function. ClinVar contains an entry for this variant (Variation ID: 846675). This variant has not been reported in the literature in individuals affected with RECQL4-related conditions. This variant is not present in population databases (gnomAD no frequency). This sequence change replaces alanine, which is neutral and non-polar, with valine, which is neutral and non-polar, at codon 773 of the RECQL4 protein (p.Ala773Val).